The following is an entry in ClinVar:

ClinVar aggregate classification (germline): Likely benign. Review status: criteria provided, single submitter (1 of 4 stars). 2 submissions from 2 submitters: Likely benign (1). 1 of the submissions does not count toward it. Last evaluated 2025-02-03.

Conditions:
COL2A1-related disorder. Also called: COL2A1-related condition; COL2A1-related disorders.

Allele frequency attached by ClinVar (database versions not stated): TOPMed 0.00010.
gnomAD v4.1: 28 of 1,612,210 alleles (0.0017%); highest among the groups gnomAD compares: African/African-American, 0.015%; no homozygotes.

Submissions (2):

Labcorp Genetics (formerly Invitae), Labcorp
Classification: Likely benign. Last evaluated: 2025-02-03. Review status: criteria provided, single submitter. Criteria: Invitae Variant Classification Sherloc (09022015). Collection method: clinical testing. Allele origin: germline.

PreventionGenetics, part of Exact Sciences
Classification: Uncertain significance for COL2A1-related condition. Last evaluated: 2024-08-09. Review status: no assertion criteria provided. Collection method: clinical testing. Allele origin: germline. Not counted in ClinVar's aggregate classification.
Comment: The COL2A1 c.3172C>T variant is predicted to result in the amino acid substitution p.Arg1058Cys. To our knowledge, this variant has not been reported in the literature. This variant is reported in 0.0080% of alleles in individuals of African descent in gnomAD. A different variant affecting the same amino acid (p.Arg1058His) has been reported in one individual with autism (Table S2, Turner. 2019. PubMed ID: 31785789). At this time, the clinical significance of this variant is uncertain due to the absence of conclusive functional and genetic evidence.

NM_001844.5(COL2A1):c.3172C>T (p.Arg1058Cys)

Gene: COL2A1 (collagen type II alpha 1 chain; minus strand). Cytogenetic location: 12q13.11.
Variant type: single nucleotide variant.
Coding change: c.3172C>T on transcript NM_001844.5 (MANE Select); coding-DNA position 3172, C replaced by T.
Protein change: p.Arg1058Cys; replaces arginine 1058 with cysteine.
Molecular consequence: missense variant.
Genome position (GRCh38, 1-based): chr12:47,977,421, G>A on the plus strand (C>T on the coding strand, the complement: COL2A1 is on the minus strand). VCF-style: chr12-47977421-G-A. GRCh37 (hg19) VCF-style: chr12-48371204-G-A.
Other names: c.2965C>T, p.Arg989Cys (NM_033150.3); c.3172C>T (NM_001844.4); short protein forms R1058C, R989C.
Identifiers: ClinVar variation 1016583 (VCV001016583.7), dbSNP rs148350640, ClinGen allele CA6534846.
Genomic context (GRCh38, chr12:47,977,421, plus strand): 5'-GGCCAGGGGAGCCAGGGGGCCCAGGGGCTCCAGGAGCTCCCACAGCACCAGTCTCACCAC[G>A]ATCACCCTGTCAGGAGAGAGGTCTCAGGCTCAGAGAAGAATGTTCCAGAAGAGACAGGAA-3'
Protein context (NP_001835.3, residues 1048-1068): RDGAAGVKGD[Arg1058Cys]GETGAVGAPG